The following is an entry in ClinVar:

ClinVar aggregate classification (germline): Uncertain significance. Review status: criteria provided, multiple submitters, no conflicts (2 of 4 stars). 2 submissions from 2 submitters: Uncertain significance (2). Last evaluated 2023-01-18.

Conditions:
Intellectual developmental disorder with neuropsychiatric features. Identifiers: MedGen C4479636, MONDO:0044322, OMIM 617532.

Allele frequency attached by ClinVar (database versions not stated): gnomAD exomes 0.00001 and 0.00002; TOPMed 0.00001; ExAC 0.00002; gnomAD 0.00003.

Submissions (2):

Ambry Genetics
Classification: Uncertain significance. Last evaluated: 2023-01-18. Review status: criteria provided, single submitter. Criteria: Ambry Variant Classification Scheme 2023. Collection method: clinical testing. Allele origin: germline.

Baylor Genetics
Classification: Uncertain significance for Intellectual developmental disorder with neuropsychiatric features. Last evaluated: 2018-01-01. Review status: criteria provided, single submitter. Criteria: ACMG Guidelines, 2015. Collection method: clinical testing. Allele origin: maternal. Affected: yes.
Comment: This variant was determined to be of uncertain significance according to ACMG Guidelines, 2015 [PMID:25741868].

NM_001080397.3(SLC45A1):c.935C>T (p.Pro312Leu)

Gene: SLC45A1 (solute carrier family 45 member 1; plus strand). Cytogenetic location: 1p36.23.
Variant type: single nucleotide variant.
Coding change: c.935C>T on transcript NM_001080397.3 (MANE Select); coding-DNA position 935, C replaced by T.
Protein change: p.Pro312Leu; replaces proline 312 with leucine.
Molecular consequence: missense variant.
Genome position (GRCh38, 1-based): chr1:8,330,428, C>T. VCF-style: chr1-8330428-C-T. GRCh37 (hg19) VCF-style: chr1-8390488-C-T.
Other names: c.935C>T, p.Pro312Leu (NM_001379614.1); c.842C>T, p.Pro281Leu (NM_001379615.1, NM_001379616.1); c.329C>T, p.Pro110Leu (NM_001379617.1, NM_001379618.1); short protein forms P110L, P281L, P312L.
Identifiers: ClinVar variation 1033650 (VCV001033650.3), dbSNP rs781435537, ClinGen allele CA570265.